The following is an entry in ClinVar:

ClinVar aggregate classification (germline): Uncertain significance (1 of 4 stars; one submission).

Conditions:
Peroxisome biogenesis disorder 7A (Zellweger). Also called: Peroxisome biogenesis disorder 7A. Identifiers: Orphanet 912, MedGen C3888385, MONDO:0013938, OMIM 614872.
Peroxisome biogenesis disorder 7B (PBD7B). Identifiers: Orphanet 44, MedGen C3553951, MONDO:0013939, OMIM 614873.

gnomAD v4.1: 1 of 1,598,596 alleles (0.000063%); highest among the groups gnomAD compares: South Asian, 0.0011%; no homozygotes.

Submission:

Labcorp Genetics (formerly Invitae), Labcorp
Classification: Uncertain significance for Peroxisome biogenesis disorder 7A (Zellweger); Peroxisome biogenesis disorder 7B. Last evaluated: 2022-09-29. Review status: criteria provided, single submitter. Criteria: Invitae Variant Classification Sherloc (09022015). Collection method: clinical testing. Allele origin: germline.
Comment: In summary, the available evidence is currently insufficient to determine the role of this variant in disease. Therefore, it has been classified as a Variant of Uncertain Significance. This sequence change replaces glycine, which is neutral and non-polar, with valine, which is neutral and non-polar, at codon 76 of the PEX26 protein (p.Gly76Val). This variant is not present in population databases (gnomAD no frequency). This variant has not been reported in the literature in individuals affected with PEX26-related conditions. Advanced modeling of protein sequence and biophysical properties (such as structural, functional, and spatial information, amino acid conservation, physicochemical variation, residue mobility, and thermodynamic stability) performed at Invitae indicates that this missense variant is not expected to disrupt PEX26 protein function.

NM_001127649.3(PEX26):c.227G>T (p.Gly76Val)

Gene: PEX26 (peroxisomal biogenesis factor 26; plus strand). Cytogenetic location: 22q11.21.
Variant type: single nucleotide variant.
Coding change: c.227G>T on transcript NM_001127649.3 (MANE Select); coding-DNA position 227, G replaced by T.
Protein change: p.Gly76Val; replaces glycine 76 with valine.
Molecular consequence: missense variant.
Genome position (GRCh38, 1-based): chr22:18,078,603, G>T. VCF-style: chr22-18078603-G-T. GRCh37 (hg19) VCF-style: chr22-18561369-G-T.
Other names: c.227G>T, p.Gly76Val (NM_001199319.2, NM_017929.6); short protein forms G76V.
Identifiers: ClinVar variation 1720680 (VCV001720680.5), dbSNP rs751562812, ClinGen allele CA410265392.
Genomic context (GRCh38, chr22:18,078,603, plus strand): 5'-AGACCTGCGAGCGGGCCTGGCAGAGTCTGGCCAACCACGCCGTGGCAGAGGAACCCGCGG[G>T]CACGTACGTGCTGGGCTCGGAAATGAACCGATTTCCGGGCGCTCTTGTGGTGGGGCTCAA-3'
Protein context (NP_001121121.1, residues 66-86): ANHAVAEEPA[Gly76Val]TSLEVKCSLC